The following is an entry in ClinVar:

ClinVar aggregate classification (germline): Uncertain significance (1 of 4 stars; one submission).

Submission:

Labcorp Genetics (formerly Invitae), Labcorp
Classification: Uncertain significance. Last evaluated: 2022-10-17. Review status: criteria provided, single submitter. Criteria: Invitae Variant Classification Sherloc (09022015). Collection method: clinical testing. Allele origin: germline.
Comment: In summary, the available evidence is currently insufficient to determine the role of this variant in disease. Therefore, it has been classified as a Variant of Uncertain Significance. Advanced modeling of protein sequence and biophysical properties (such as structural, functional, and spatial information, amino acid conservation, physicochemical variation, residue mobility, and thermodynamic stability) performed at Invitae indicates that this missense variant is not expected to disrupt KMT2A protein function. ClinVar contains an entry for this variant (Variation ID: 1510063). This variant has not been reported in the literature in individuals affected with KMT2A-related conditions. This variant is not present in population databases (gnomAD no frequency). This sequence change replaces glutamine, which is neutral and polar, with proline, which is neutral and non-polar, at codon 3575 of the KMT2A protein (p.Gln3575Pro).

NM_001197104.2(KMT2A):c.10724A>C (p.Gln3575Pro)

Gene: KMT2A (lysine methyltransferase 2A; plus strand). Cytogenetic location: 11q23.3.
Variant type: single nucleotide variant.
Coding change: c.10724A>C on transcript NM_001197104.2 (MANE Select); coding-DNA position 10724, A replaced by C.
Protein change: p.Gln3575Pro; replaces glutamine 3575 with proline.
Molecular consequence: missense variant.
Genome position (GRCh38, 1-based): chr11:118,506,616, A>C. VCF-style: chr11-118506616-A-C. GRCh37 (hg19) VCF-style: chr11-118377331-A-C.
Other names: c.10715A>C, p.Gln3572Pro (NM_005933.4); short protein forms Q3575P, Q3572P.
Identifiers: ClinVar variation 1510063 (VCV001510063.6), dbSNP rs2134415098, ClinGen allele CA382826973.